The following is an entry in ClinVar:

ClinVar aggregate classification (germline): Likely benign (1 of 4 stars; one submission).

Allele frequency attached by ClinVar (database versions not stated): gnomAD 0.00265; TOPMed 0.00303; 1000 Genomes Project 0.00319; 1000 Genomes Project 30x 0.00390; ESP Exome Variant Server 0.00415; ExAC 0.00094.

Submission:

CeGaT Center for Human Genetics Tuebingen
Classification: Likely benign. Last evaluated: 2022-12-01. Review status: criteria provided, single submitter. Criteria: CeGaT Center For Human Genetics Tuebingen Variant Classification Criteria Version 2. Collection method: clinical testing. Allele origin: germline. Affected: yes. Observed: 1 variant allele.
Comment: OR13C2: BP4, BS2

NM_001004481.1(OR13C2):c.365G>A (p.Arg122His)

Gene: OR13C2 (olfactory receptor family 13 subfamily C member 2; minus strand). Cytogenetic location: 9q31.1.
Variant type: single nucleotide variant.
Coding change: c.365G>A on transcript NM_001004481.1 (MANE Select); coding-DNA position 365, G replaced by A.
Protein change: p.Arg122His; replaces arginine 122 with histidine.
Molecular consequence: missense variant.
Genome position (GRCh38, 1-based): chr9:104,605,263, C>T on the plus strand (G>A on the coding strand, the complement: OR13C2 is on the minus strand). VCF-style: chr9-104605263-C-T. GRCh37 (hg19) VCF-style: chr9-107367544-C-T.
Other names: short protein forms R122H.
Identifiers: ClinVar variation 2659357 (VCV002659357.24), dbSNP rs138081816, ClinGen allele CA5166388.